The following is an entry in ClinVar:

ClinVar aggregate classification (germline): Uncertain significance (1 of 4 stars; one submission).

Allele frequency attached by ClinVar (database versions not stated): gnomAD 0.00001; TOPMed 0.00001.
gnomAD v4.1: 2 of 1,613,828 alleles (0.00012%); highest among the groups gnomAD compares: Non-Finnish European, 0.00017%; no homozygotes.

Submission:

Labcorp Genetics (formerly Invitae), Labcorp
Classification: Uncertain significance. Last evaluated: 2024-11-27. Review status: criteria provided, single submitter. Criteria: Invitae Variant Classification Sherloc (09022015). Collection method: clinical testing. Allele origin: germline.
Comment: This sequence change falls in intron 15 of the EMC1 gene. It does not directly change the encoded amino acid sequence of the EMC1 protein. It affects a nucleotide within the consensus splice site. This variant is not present in population databases (gnomAD no frequency). This variant has not been reported in the literature in individuals affected with EMC1-related conditions. ClinVar contains an entry for this variant (Variation ID: 1955450). Variants that disrupt the consensus splice site are a relatively common cause of aberrant splicing (PMID: 17576681, 9536098). Algorithms developed to predict the effect of sequence changes on RNA splicing suggest that this variant is not likely to affect RNA splicing. In summary, the available evidence is currently insufficient to determine the role of this variant in disease. Therefore, it has been classified as a Variant of Uncertain Significance.

Literature cited by the submitters: PubMed 17576681; PubMed 9536098.

NM_015047.3(EMC1):c.1782+6G>A

Genes: EMC1 (ER membrane protein complex subunit 1; minus strand), EMC1-AS1 (EMC1 antisense RNA 1; plus strand). Cytogenetic location: 1p36.13.
Variant type: single nucleotide variant.
Coding change: c.1782+6G>A on transcript NM_015047.3 (MANE Select); 6 bases into the intron after coding-DNA position 1782, G replaced by A.
Molecular consequence: intron variant.
Genome position (GRCh38, 1-based): chr1:19,232,618, C>T on the plus strand (G>A on the coding strand, the complement: EMC1 is on the minus strand). VCF-style: chr1-19232618-C-T. GRCh37 (hg19) VCF-style: chr1-19559112-C-T.
Other names: c.1716+6G>A (NM_001271429.2); c.1779+6G>A (NM_001271427.2, NM_001271428.2); c.1788+6G>A (NM_001375821.1); c.1791+6G>A (NM_001375820.1).
Identifiers: ClinVar variation 1955450 (VCV001955450.5), dbSNP rs1370016727, ClinGen allele CA729229061.